The following is an entry in ClinVar:

NM_015559.3(SETBP1):c.1413A>G (p.Ile471Met)

Gene: SETBP1 (SET binding protein 1; plus strand). Cytogenetic location: 18q12.3.
Variant type: single nucleotide variant.
Coding change: c.1413A>G on transcript NM_015559.3 (MANE Select); coding-DNA position 1413, A replaced by G.
Protein change: p.Ile471Met; replaces isoleucine 471 with methionine.
Molecular consequence: missense variant.
Genome position (GRCh38, 1-based): chr18:44,950,753, A>G. VCF-style: chr18-44950753-A-G. GRCh37 (hg19) VCF-style: chr18-42530718-A-G.
Other names: c.1413A>G, p.Ile471Met (NM_001379141.1, NM_001379142.1, NM_001410862.1); short protein forms I471M.
Identifiers: ClinVar variation 4687590 (VCV004687590.1).

ClinVar aggregate classification (germline): Uncertain significance (1 of 4 stars; one submission).

Submission:

Women's Health and Genetics/Laboratory Corporation of America, LabCorp
Classification: Uncertain significance. Last evaluated: 2025-10-03. Review status: criteria provided, single submitter. Criteria: LabCorp Variant Classification Summary - May 2015. Collection method: clinical testing. Allele origin: germline.
Comment: Variant summary: SETBP1 c.1413A>G (p.Ile471Met) results in a conservative amino acid change in the encoded protein sequence. Algorithms developed to predict the effect of missense changes on protein structure and function all suggest that this variant is likely to be tolerated. The variant was absent in 251330 control chromosomes. The available data on variant occurrences in the general population are insufficient to allow any conclusion about variant significance. To our knowledge, no occurrence of c.1413A>G in individuals affected with SETBP1-related conditions and no experimental evidence demonstrating its impact on protein function have been reported. No submitters have cited clinical-significance assessments for this variant to ClinVar. Based on the evidence outlined above, the variant was classified as uncertain significance.